The following is an entry in ClinVar:

NM_021008.4(DEAF1):c.1348C>A (p.Pro450Thr)

Genes: DEAF1 (DEAF1 transcription factor; minus strand), LOC126861109 (BRD4-independent group 4 enhancer GRCh37_chr11:673917-675116; plus strand). Cytogenetic location: 11p15.5.
Variant type: single nucleotide variant.
Coding change: c.1348C>A on transcript NM_021008.4 (MANE Select); coding-DNA position 1348, C replaced by A.
Protein change: p.Pro450Thr; replaces proline 450 with threonine.
Molecular consequence: missense variant.
Genome position (GRCh38, 1-based): chr11:674,691, G>T on the plus strand (C>A on the coding strand, the complement: DEAF1 is on the minus strand). VCF-style: chr11-674691-G-T. GRCh37 (hg19) VCF-style: chr11-674691-G-T.
Other names: c.1081C>A, p.Pro361Thr (NM_001293634.2); c.622C>A, p.Pro208Thr (NM_001367390.1); short protein forms P361T, P208T, P450T.
Identifiers: ClinVar variation 2892541 (VCV002892541.3), dbSNP rs374222357, ClinGen allele CA5786235.

ClinVar aggregate classification (germline): Uncertain significance (1 of 4 stars; one submission).

gnomAD v4.1: 6 of 1,613,976 alleles (0.00037%); highest among the groups gnomAD compares: Admixed American, 0.01%; no homozygotes.

Submission:

Labcorp Genetics (formerly Invitae), Labcorp
Classification: Uncertain significance. Last evaluated: 2024-03-04. Review status: criteria provided, single submitter. Criteria: Invitae Variant Classification Sherloc (09022015). Collection method: clinical testing. Allele origin: germline.
Comment: This sequence change replaces proline, which is neutral and non-polar, with threonine, which is neutral and polar, at codon 450 of the DEAF1 protein (p.Pro450Thr). This variant is present in population databases (rs374222357, gnomAD 0.02%). This variant has not been reported in the literature in individuals affected with DEAF1-related conditions. Advanced modeling of protein sequence and biophysical properties (such as structural, functional, and spatial information, amino acid conservation, physicochemical variation, residue mobility, and thermodynamic stability) performed at Invitae indicates that this missense variant is not expected to disrupt DEAF1 protein function with a negative predictive value of 95%. In summary, the available evidence is currently insufficient to determine the role of this variant in disease. Therefore, it has been classified as a Variant of Uncertain Significance.